The following is an entry in ClinVar:

ClinVar aggregate classification (germline): Uncertain significance (1 of 4 stars; one submission).

Conditions:
Rhabdoid tumor predisposition syndrome 2 (RTPS2). Identifiers: Orphanet 231108, Orphanet 69077, MedGen C2750074, MONDO:0013224, OMIM 613325.

Submission:

Labcorp Genetics (formerly Invitae), Labcorp
Classification: Uncertain significance for Rhabdoid tumor predisposition syndrome 2. Last evaluated: 2025-02-19. Review status: criteria provided, single submitter. Criteria: Invitae Variant Classification Sherloc (09022015). Collection method: clinical testing. Allele origin: germline.
Comment: This sequence change replaces arginine, which is basic and polar, with cysteine, which is neutral and slightly polar, at codon 967 of the SMARCA4 protein (p.Arg967Cys). This variant is not present in population databases (gnomAD no frequency). This variant has not been reported in the literature in individuals affected with SMARCA4-related conditions. Invitae Evidence Modeling of protein sequence and biophysical properties (such as structural, functional, and spatial information, amino acid conservation, physicochemical variation, residue mobility, and thermodynamic stability) indicates that this missense variant is expected to disrupt SMARCA4 protein function with a positive predictive value of 95%. In summary, the available evidence is currently insufficient to determine the role of this variant in disease. Therefore, it has been classified as a Variant of Uncertain Significance.

NM_003072.5(SMARCA4):c.2899C>T (p.Arg967Cys)

Gene: SMARCA4 (SWI/SNF related BAF chromatin remodeling complex subunit ATPase 4; plus strand). Cytogenetic location: 19p13.2.
Variant type: single nucleotide variant.
Coding change: c.2899C>T on transcript NM_003072.5 (MANE Select); coding-DNA position 2899, C replaced by T.
Protein change: p.Arg967Cys; replaces arginine 967 with cysteine.
Molecular consequence: missense variant. On other transcripts: non-coding transcript variant (1).
Genome position (GRCh38, 1-based): chr19:11,023,557, C>T. VCF-style: chr19-11023557-C-T. GRCh37 (hg19) VCF-style: chr19-11134233-C-T.
Other names: c.2899C>T, p.Arg967Cys (NM_001128844.3, NM_001128845.2, NM_001128846.2 and 6 more transcripts); short protein forms R967C.
Identifiers: ClinVar variation 4802571 (VCV004802571.1).